The following is an entry in ClinVar:

NM_199420.4(POLQ):c.6884G>A (p.Cys2295Tyr)

Gene: POLQ (DNA polymerase theta; minus strand). Cytogenetic location: 3q13.33.
Variant type: single nucleotide variant.
Coding change: c.6884G>A on transcript NM_199420.4 (MANE Select); coding-DNA position 6884, G replaced by A.
Protein change: p.Cys2295Tyr; replaces cysteine 2295 with tyrosine.
Molecular consequence: missense variant.
Genome position (GRCh38, 1-based): chr3:121,467,602, C>T on the plus strand (G>A on the coding strand, the complement: POLQ is on the minus strand). VCF-style: chr3-121467602-C-T. GRCh37 (hg19) VCF-style: chr3-121186449-C-T.
Other names: short protein forms C2295Y.
Identifiers: ClinVar variation 1755957 (VCV001755957.3), dbSNP rs889253409, ClinGen allele CA81858361.

ClinVar aggregate classification (germline): Uncertain significance (1 of 4 stars; one submission).

Allele frequency attached by ClinVar (database versions not stated): gnomAD 0.00002; TOPMed 0.00002.
gnomAD v4.1: 3 of 1,613,722 alleles (0.00019%); highest among the groups gnomAD compares: African/African-American, 0.004%; no homozygotes.

Submission:

Ambry Genetics
Classification: Uncertain significance. Last evaluated: 2024-04-27. Review status: criteria provided, single submitter. Criteria: Ambry Variant Classification Scheme 2023. Collection method: clinical testing. Allele origin: germline.
Comment: The p.C2295Y variant (also known as c.6884G>A), located in coding exon 24 of the POLQ gene, results from a G to A substitution at nucleotide position 6884. The cysteine at codon 2295 is replaced by tyrosine, an amino acid with highly dissimilar properties. This amino acid position is conserved. In addition, this alteration is predicted to be tolerated by in silico analysis. Since supporting evidence is limited at this time, the clinical significance of this alteration remains unclear.